The following is an entry in ClinVar:

NM_020338.4(ZMIZ1):c.482C>A (p.Pro161His)

Gene: ZMIZ1 (zinc finger MIZ-type containing 1; plus strand). Cytogenetic location: 10q22.3.
Variant type: single nucleotide variant.
Coding change: c.482C>A on transcript NM_020338.4 (MANE Select); coding-DNA position 482, C replaced by A.
Protein change: p.Pro161His; replaces proline 161 with histidine.
Molecular consequence: missense variant.
Genome position (GRCh38, 1-based): chr10:79,289,831, C>A. VCF-style: chr10-79289831-C-A. GRCh37 (hg19) VCF-style: chr10-81049588-C-A.
Other names: short protein forms P161H.
Identifiers: ClinVar variation 2411363 (VCV002411363.4), dbSNP rs1351957871, ClinGen allele CA377330735.

ClinVar aggregate classification (germline): Uncertain significance. Review status: criteria provided, multiple submitters, no conflicts (2 of 4 stars). 2 submissions from 2 submitters: Uncertain significance (2). Last evaluated 2024-07-22.

Conditions:
Inborn genetic diseases. Identifiers: MedGen C0950123, MeSH D030342.

Allele frequency attached by ClinVar (database versions not stated): gnomAD 0.00001; TOPMed 0.00001.
gnomAD v4.1: 20 of 1,613,996 alleles (0.0012%); highest among the groups gnomAD compares: Non-Finnish European, 0.0016%; no homozygotes.

Submissions (2):

Labcorp Genetics (formerly Invitae), Labcorp
Classification: Uncertain significance. Last evaluated: 2024-07-22. Review status: criteria provided, single submitter. Criteria: Invitae Variant Classification Sherloc (09022015). Collection method: clinical testing. Allele origin: germline.
Comment: This sequence change replaces proline, which is neutral and non-polar, with histidine, which is basic and polar, at codon 161 of the ZMIZ1 protein (p.Pro161His). This variant is present in population databases (no rsID available, gnomAD 0.007%). This variant has not been reported in the literature in individuals affected with ZMIZ1-related conditions. ClinVar contains an entry for this variant (Variation ID: 2411363). Advanced modeling of protein sequence and biophysical properties (such as structural, functional, and spatial information, amino acid conservation, physicochemical variation, residue mobility, and thermodynamic stability) performed at Invitae indicates that this missense variant is not expected to disrupt ZMIZ1 protein function with a negative predictive value of 80%. In summary, the available evidence is currently insufficient to determine the role of this variant in disease. Therefore, it has been classified as a Variant of Uncertain Significance.

Ambry Genetics
Classification: Uncertain significance for Inborn genetic diseases. Last evaluated: 2021-06-11. Review status: criteria provided, single submitter. Criteria: Ambry Variant Classification Scheme 2023. Collection method: clinical testing. Allele origin: germline.